The following is an entry in ClinVar:

ClinVar aggregate classification (germline): Pathogenic (1 of 4 stars; one submission).

Submission:

Labcorp Genetics (formerly Invitae), Labcorp
Classification: Pathogenic. Last evaluated: 2023-03-07. Review status: criteria provided, single submitter. Criteria: Invitae Variant Classification Sherloc (09022015). Collection method: clinical testing. Allele origin: germline.
Comment: This sequence change creates a premature translational stop signal (p.Val372Trpfs*10) in the POLE gene. It is expected to result in an absent or disrupted protein product. Loss-of-function variants in POLE are known to be pathogenic (PMID: 23230001, 25948378, 30503519). This variant is not present in population databases (gnomAD no frequency). This variant has not been reported in the literature in individuals affected with POLE-related conditions. For these reasons, this variant has been classified as Pathogenic.

Literature cited by the submitters: PubMed 23230001; PubMed 25948378; PubMed 30503519.

NM_006231.4(POLE):c.1114del (p.Val372fs)

Gene: POLE (DNA polymerase epsilon, catalytic subunit; minus strand). Cytogenetic location: 12q24.33.
Variant type: Deletion.
Coding change: c.1114del on transcript NM_006231.4 (MANE Select); coding-DNA position 1114, one base deleted (G; older notation c.1114delG).
Protein change: p.Val372fs; shifts the reading frame from valine 372.
Molecular consequence: frameshift variant.
Genome position (GRCh38, 1-based): chr12:132,675,510, C deleted on the plus strand (G on the coding strand, the reverse complement: POLE is on the minus strand). VCF-style (leftmost placement, unchanged base first): chr12-132675509-AC-A. GRCh37 (hg19) VCF-style: chr12-133252095-AC-A.
Other names: short protein forms V372fs.
Identifiers: ClinVar variation 2824908 (VCV002824908.3), dbSNP rs2542159382, ClinGen allele CA2739277375.
Genomic context (GRCh38, chr12:132,675,509, plus strand): 5'-TCCTTCTGGAAGCCTATCTCCTGCTGCATGCTCAGACCGTGGACTGCTGCCCGGGCCTCC[AC>A]AAATGGCCTGGGTTGGAAAGAGGACAGACAAGCAAGTGGGCAGGTCAGGCTCTAATGCCC-3'